The following is an entry in ClinVar:

ClinVar aggregate classification (germline): Uncertain significance (1 of 4 stars; one submission).

gnomAD v4.1: 40 of 1,612,614 alleles (0.0025%); highest among the groups gnomAD compares: Non-Finnish European, 0.0027%; no homozygotes.

Submission:

CeGaT Center for Human Genetics Tuebingen
Classification: Uncertain significance. Last evaluated: 2026-01-01. Review status: criteria provided, single submitter. Criteria: CeGaT Center For Human Genetics Tuebingen Variant Classification Criteria Version 2. Collection method: clinical testing. Allele origin: germline. Affected: yes. Observed: 1 variant allele.
Comment: EDNRB: PM2, BP4

NM_000115.5(EDNRB):c.-51-915A>G

Genes: EDNRB (endothelin receptor type B; minus strand), LOC107882129 (EDNRB proximal promoter region; plus strand). Cytogenetic location: 13q22.3.
Variant type: single nucleotide variant.
Coding change: c.-51-915A>G on transcript NM_000115.5; 915 bases into the intron before 51 bases upstream of the start codon, A replaced by G.
Molecular consequence: intron variant. On other transcripts: missense variant (1).
Genome position (GRCh38, 1-based): chr13:77,919,539, T>C on the plus strand (A>G on the coding strand, the complement: EDNRB is on the minus strand). VCF-style: chr13-77919539-T-C. GRCh37 (hg19) VCF-style: chr13-78493674-T-C.
Other names: c.77A>G, p.Gln26Arg (NM_001201397.2); short protein forms Q26R.
Identifiers: ClinVar variation 4822328 (VCV004822328.4).